The following is an entry in ClinVar:

ClinVar aggregate classification (germline): Uncertain significance (1 of 4 stars; one submission).

Allele frequency attached by ClinVar (database versions not stated): TOPMed below 0.00001.

Submission:

Labcorp Genetics (formerly Invitae), Labcorp
Classification: Uncertain significance. Last evaluated: 2022-03-28. Review status: criteria provided, single submitter. Criteria: Invitae Variant Classification Sherloc (09022015). Collection method: clinical testing. Allele origin: germline.
Comment: In summary, the available evidence is currently insufficient to determine the role of this variant in disease. Therefore, it has been classified as a Variant of Uncertain Significance. Algorithms developed to predict the effect of missense changes on protein structure and function are either unavailable or do not agree on the potential impact of this missense change (SIFT: "Tolerated"; PolyPhen-2: "Possibly Damaging"; Align-GVGD: "Class C0"). This variant has not been reported in the literature in individuals affected with PTDSS1-related conditions. This variant is present in population databases (no rsID available, gnomAD 0.01%). This sequence change replaces alanine, which is neutral and non-polar, with glycine, which is neutral and non-polar, at codon 270 of the PTDSS1 protein (p.Ala270Gly).

NM_014754.3(PTDSS1):c.809C>G (p.Ala270Gly)

Gene: PTDSS1 (phosphatidylserine synthase 1; plus strand). Cytogenetic location: 8q22.1.
Variant type: single nucleotide variant.
Coding change: c.809C>G on transcript NM_014754.3 (MANE Select); coding-DNA position 809, C replaced by G.
Protein change: p.Ala270Gly; replaces alanine 270 with glycine.
Molecular consequence: missense variant.
Genome position (GRCh38, 1-based): chr8:96,304,096, C>G. VCF-style: chr8-96304096-C-G. GRCh37 (hg19) VCF-style: chr8-97316324-C-G.
Other names: c.371C>G, p.Ala124Gly (NM_001290225.2); short protein forms A124G, A270G.
Identifiers: ClinVar variation 1951376 (VCV001951376.5), dbSNP rs1436287261, ClinGen allele CA371756874.
Genomic context (GRCh38, chr8:96,304,096, plus strand): 5'-ACAGGGACATTCATACCACCACCGGGAAGATCAAGAGAGCTGTTCTGCAGTTCACTCCTG[C>G]TAGCTGGACCTATGTTCGATGGTTTGACCCCAAATCTTCTTTTCAGAGAGTAGCTGGAGT-3'
Protein context (NP_055569.1, residues 260-280): IKRAVLQFTP[Ala270Gly]SWTYVRWFDP